The following is an entry in ClinVar:

ClinVar aggregate classification (germline): Uncertain significance (1 of 4 stars; one submission).

Conditions:
Lethal congenital contracture syndrome 11 (LCCS11). Identifiers: MedGen C4310670, MONDO:0014965, OMIM 617194.

Allele frequency attached by ClinVar (database versions not stated): gnomAD exomes below 0.00001; TOPMed below 0.00001.
gnomAD v4.1: 1 of 1,592,194 alleles (0.000063%); highest among the groups gnomAD compares: East Asian, 0.0023%; no homozygotes.

Submission:

Broad Center for Mendelian Genomics, Broad Institute of MIT and Harvard
Classification: Uncertain significance for Lethal congenital contracture syndrome 11. Last evaluated: 2018-12-03. Review status: criteria provided, single submitter. Criteria: ACMG Guidelines, 2015. Collection method: research. Allele origin: germline. Inheritance: Autosomal recessive inheritance. Affected: yes.
Comment: The heterozygous c.363+1G>A variant in GLDN was identified by our study in the compound heterozygous state, with a likely pathogenic variant, in three siblings with lethal congenital contracture syndrome. This variant segregated with disease in all three siblings, and variant was absent from large population studies. The presence of this variant in combination with a likely pathogenic variant and in three siblings with lethal congenital contracture syndrome increases the likelihood that the c.363+1G>A variant is pathogenic. This variant occurs in the invariant region (+/- 1/2) of the splice consensus sequence and is predicted to cause altered splicing leading to an abnormal or absent protein. At least two loss of function variants across multiple exons have been reported in association with lethal congenital contracture syndrome in ClinVar. Loss of function of the GLDN gene is a moderately established disease mechanism in autosomal recessive lethal congenital contracture syndrome. In summary, while there is some suspicion for a pathogenic role, the clinical significance of this variant is uncertain. ACMG/AMP Criteria applied: PM2, PVS1_Supporting, PP1, PM3_Supporting (Richards 2015).

NM_181789.4(GLDN):c.363+1G>A

Gene: GLDN (gliomedin; plus strand). Cytogenetic location: 15q21.2.
Variant type: single nucleotide variant.
Coding change: c.363+1G>A on transcript NM_181789.4 (MANE Select); the canonical splice donor site of the intron after coding-DNA position 363, G replaced by A.
Molecular consequence: splice donor variant.
Genome position (GRCh38, 1-based): chr15:51,342,048, G>A. VCF-style: chr15-51342048-G-A. GRCh37 (hg19) VCF-style: chr15-51634245-G-A.
Identifiers: ClinVar variation 813925 (VCV000813925.1), dbSNP rs556661550, ClinGen allele CA392424409.